The following is an entry in ClinVar:

ClinVar aggregate classification (germline): Conflicting classifications of pathogenicity. Review status: criteria provided, conflicting classifications (1 of 4 stars). 3 submissions from 3 submitters: Uncertain significance (2); Likely benign (1). Last evaluated 2025-05-30.

Conditions:
Tuberous sclerosis 2 (TSC2). Identifiers: Orphanet 805, MedGen C1860707, MONDO:0013199, OMIM 613254.
Hereditary cancer-predisposing syndrome. Also called: Neoplastic Syndromes, Hereditary; Hereditary Cancer Syndrome; Tumor predisposition; Hereditary neoplastic syndrome. Identifiers: Orphanet 140162, MedGen C0027672, MeSH D009386, MONDO:0015356.
Tuberous sclerosis syndrome (TSC). Also called: Tuberous sclerosis; Tuberous Sclerosis Complex. Identifiers: Orphanet 805, MedGen C0041341, MONDO:0001734.

Allele frequency attached by ClinVar (database versions not stated): gnomAD exomes below 0.00001.
gnomAD v4.1: 3 of 1,610,034 alleles (0.00019%); highest among the groups gnomAD compares: Admixed American, 0.0017%; no homozygotes.

Submissions (3):

Color Diagnostics, LLC DBA Color Health
Classification: Uncertain significance for Tuberous sclerosis syndrome. Last evaluated: 2025-05-30. Review status: criteria provided, single submitter. Criteria: ACMG Guidelines, 2015. Collection method: clinical testing. Allele origin: germline.
Comment: This variant is located in the TSC2 protein. To our knowledge, functional studies have not been reported for this variant. This variant has not been reported in individuals affected with TSC2-related disorders in the literature. This variant has not been identified in the general population by the Genome Aggregation Database (gnomAD). The available evidence is insufficient to determine the role of this variant in disease conclusively. Therefore, this variant is classified as a Variant of Uncertain Significance.

Ambry Genetics
Classification: Uncertain significance for Hereditary cancer-predisposing syndrome. Last evaluated: 2024-11-05. Review status: criteria provided, single submitter. Criteria: Ambry Variant Classification Scheme 2023. Collection method: clinical testing. Allele origin: germline.
Comment: The c.3288C>T variant (also known as p.S1096S), located in coding exon 28 of the TSC2 gene, results from a C to T substitution at nucleotide position 3288. This nucleotide substitution does not change the serine at codon 1096. This nucleotide position is not well conserved in available vertebrate species. In silico splice site analysis for this alteration is inconclusive. Based on the available evidence, the clinical significance of this variant remains unclear.

Labcorp Genetics (formerly Invitae), Labcorp
Classification: Likely benign for Tuberous sclerosis 2. Last evaluated: 2024-04-14. Review status: criteria provided, single submitter. Criteria: Invitae Variant Classification Sherloc (09022015). Collection method: clinical testing. Allele origin: germline.

NM_000548.5(TSC2):c.3288C>T (p.Ser1096=)

Gene: TSC2 (TSC complex subunit 2; plus strand). Cytogenetic location: 16p13.3.
Variant type: single nucleotide variant.
Coding change: c.3288C>T on transcript NM_000548.5 (MANE Select); coding-DNA position 3288, C replaced by T.
Protein change: p.Ser1096=; no amino-acid change (serine 1096 retained).
Molecular consequence: synonymous variant.
Genome position (GRCh38, 1-based): chr16:2,079,560, C>T. VCF-style: chr16-2079560-C-T. GRCh37 (hg19) VCF-style: chr16-2129561-C-T.
Other names: c.3156C>T, p.Ser1052= (NM_001077183.3, NM_001370404.1); c.3288C>T, p.Ser1096= (NM_001114382.3); c.3048C>T, p.Ser1016= (NM_001318827.2); c.3012C>T, p.Ser1004= (NM_001318829.2); c.2556C>T, p.Ser852= (NM_001318831.2); c.3189C>T, p.Ser1063= (NM_001318832.2); c.3159C>T, p.Ser1053= (NM_001363528.2, NM_001370405.1, NM_021055.3).
Identifiers: ClinVar variation 794555 (VCV000794555.11), dbSNP rs1596385627, ClinGen allele CA492955207.